The following is an entry in ClinVar:

ClinVar aggregate classification (germline): Pathogenic/Likely pathogenic. Review status: criteria provided, multiple submitters, no conflicts (2 of 4 stars). 9 submissions from 9 submitters: Pathogenic (7); Likely pathogenic (1). 1 of the submissions does not count toward it. Last evaluated 2026-01-19.

Conditions:
PHEX-related disorder. Also called: PHEX-related condition.
Childhood hypophosphatasia. Identifiers: Orphanet 247667, Orphanet 436, MedGen C0220743, MONDO:1010168, OMIM 241510, MONDO:0009428.
Familial X-linked hypophosphatemic vitamin D refractory rickets (XLHRD). Also called: X-Linked Hypophosphatemia; HYPOPHOSPHATEMIC VITAMIN D-RESISTANT RICKETS; Hypophosphatemic Rickets, X-Linked Dominant; Hypophosphatemia, vitamin D-resistant rickets; Vitamin D-resistant rickets, X-linked. Identifiers: Orphanet 89936, MedGen C0733682, MONDO:0010619, OMIM 307800.

Allele frequency attached by ClinVar (database versions not stated): gnomAD exomes below 0.00001.
gnomAD v4.1: 1 of 1,159,054 alleles (0.000086%); highest among the groups gnomAD compares: Non-Finnish European, 0.00012%; no homozygotes.

Submissions (9):

Labcorp Genetics (formerly Invitae), Labcorp
Classification: Pathogenic. Last evaluated: 2026-01-19. Review status: criteria provided, single submitter. Criteria: Invitae Variant Classification Sherloc (09022015). Collection method: clinical testing. Allele origin: germline.
Comment: This sequence change affects a donor splice site in intron 15 of the PHEX gene. It is expected to disrupt RNA splicing. Variants that disrupt the donor or acceptor splice site typically lead to a loss of protein function (PMID: 16199547), and loss-of-function variants in PHEX are known to be pathogenic (PMID: 9097956, 9106524, 19219621). This variant is not present in population databases (gnomAD no frequency). Disruption of this splice site has been observed in individuals with hypophosphatemic rickets (PMID: 10439971, 18625346, 19219621, 24857004; internal data). ClinVar contains an entry for this variant (Variation ID: 279871). Algorithms developed to predict the effect of sequence changes on RNA splicing suggest that this variant may disrupt the consensus splice site. For these reasons, this variant has been classified as Pathogenic.

Clinical Biomedical Laboratory, Shriners Hospital For Children - Canada
Classification: Pathogenic for Familial X-linked hypophosphatemic vitamin D refractory rickets. Last evaluated: 2025-10-05. Review status: criteria provided, single submitter. Criteria: ACMG Guidelines, 2015. Collection method: clinical testing. Allele origin: germline. Affected: yes.
Comment: This variant is expected to disrupt RNA splicing and lead to loss of function of the affected allele. Loss-of-function variants in PHEX are associated with X-linked hypophosphatemic rickets. This variant is absent from the Genome Aggregation Database (v2.1.1). This specific variant has been reported in the literature multiple times as a cause of X-linked hypophosphatemic rickets (e.g., PMID 34806794).

CeGaT Center for Human Genetics Tuebingen
Classification: Pathogenic. Last evaluated: 2025-10-01. Review status: criteria provided, single submitter. Criteria: CeGaT Center For Human Genetics Tuebingen Variant Classification Criteria Version 2. Collection method: clinical testing. Allele origin: germline. Affected: yes. Observed: 1 variant allele.
Comment: PHEX: PVS1, PS4, PM2

Genesolutions, Medical Genetics Institutes, Ho Chi Minh City, Vietnam
Classification: Likely pathogenic for Familial X-linked hypophosphatemic vitamin D refractory rickets. Last evaluated: 2025-09-24. Review status: criteria provided, single submitter. Criteria: ACMG Guidelines, 2015. Collection method: clinical testing. Allele origin: germline. Affected: yes.

Blueprint Genetics
Classification: Pathogenic for PHEX-related disorders. Last evaluated: 2024-10-03. Review status: criteria provided, single submitter. Criteria: ACMG Guidelines, 2015. Collection method: clinical testing. Allele origin: germline. Affected: yes. Observed: 5 variant alleles.

GeneDx
Classification: Pathogenic. Last evaluated: 2024-02-01. Review status: criteria provided, single submitter. Criteria: GeneDx Variant Classification Process June 2021. Collection method: clinical testing. Allele origin: germline. Affected: yes.
Comment: Canonical splice site variant predicted to result in a null allele in a gene for which loss of function is a known mechanism of disease; Not observed at significant frequency in large population cohorts (gnomAD); This variant is associated with the following publications: (PMID: 24857004, 19219621, 25525159, 24102521, 11502829, 30682568, 34434907, 33639975, 32329911, 33666701, 34141703, 36060934, 31102713, 10439971)

Illumina Laboratory Services, Illumina
Classification: Pathogenic for Familial X-linked hypophosphatemic vitamin D refractory rickets. Last evaluated: 2019-03-16. Review status: criteria provided, single submitter. Criteria: ICSLVariantClassificationCriteria RUGD 01 April 2020. Collection method: clinical testing. Allele origin: unknown.
Comment: The PHEX c.1645+1G>A variant occurs in a canonical splice site (donor) and is therefore predicted to disrupt or distort the normal gene product. Across a selection of the available literature, the c.1645+1G>A variant has been identified in a heterozygous state in at least six individuals with a dominant form of X-linked hypophosphatemia, two of whom are related. The variant was proven to have arisen de novo in one individual (Filisetti et al. 1999; Holm et al. 2001; Ichikawa et al. 2008; Beck-Nielsen et al. 2012; Fahiminiya et al. 2014). Control data are unavailable for the c.1645+1G>A variant and is not found in the Genome Aggregation Database in a region of good sequencing coverage, so the variant is presumed to be rare. Based on the collective evidence and application of the ACMG criteria, the c.1645+1G>A variant is classified as pathogenic for X-linked hypophosphatemia.

Institute of Human Genetics Munich, TUM University Hospital
Classification: Pathogenic for Familial X-linked hypophosphatemic vitamin D refractory rickets. Last evaluated: 2017-06-12. Review status: criteria provided, single submitter. Criteria: Classification criteria August 2017. Collection method: clinical testing. Allele origin: germline, maternal. Inheritance: X-linked inheritance. Affected: yes. Observed: 4 heterozygotes.

Department of Pediatric Endocrinology, Shriners Hospitals for Children - Mexico City
No classification provided. Condition: Childhood hypophosphatasia. Review status: no classification provided. Collection method: phenotyping only. Allele origin: germline. Inheritance: X-linked dominant inheritance. Affected: yes. Observed: 3 variant alleles. Clinical features observed: Hypophosphatemic rickets. Not counted in ClinVar's aggregate classification.

Literature cited by the submitters: PubMed 16199547 (cited by Labcorp Genetics (formerly Invitae), Labcorp); PubMed 9097956 (cited by Labcorp Genetics (formerly Invitae), Labcorp); PubMed 9106524 (cited by Labcorp Genetics (formerly Invitae), Labcorp); PubMed 19219621 (cited by Labcorp Genetics (formerly Invitae), Labcorp); PubMed 10439971 (cited by 3 submitters); PubMed 18625346 (cited by Labcorp Genetics (formerly Invitae), Labcorp and Illumina Laboratory Services, Illumina); PubMed 24857004 (cited by Labcorp Genetics (formerly Invitae), Labcorp); PubMed 34806794 (cited by Clinical Biomedical Laboratory, Shriners Hospital For Children - Canada); PubMed 11502829 (cited by Illumina Laboratory Services, Illumina); PubMed 22695891 (cited by Illumina Laboratory Services, Illumina); PubMed 24102521 (cited by Illumina Laboratory Services, Illumina).

NM_000444.6(PHEX):c.1645+1G>A

Gene: PHEX (phosphate regulating endopeptidase X-linked; plus strand). Cytogenetic location: Xp22.11.
Variant type: single nucleotide variant.
Coding change: c.1645+1G>A on transcript NM_000444.6 (MANE Select); the canonical splice donor site of the intron after coding-DNA position 1645, G replaced by A.
Molecular consequence: splice donor variant.
Genome position (GRCh38, 1-based): chrX:22,190,503, G>A. VCF-style: chrX-22190503-G-A. GRCh37 (hg19) VCF-style: chrX-22208620-G-A.
Other names: c.1645+1G>A (NM_001282754.2).
Identifiers: ClinVar variation 279871 (VCV000279871.26), dbSNP rs886041225, ClinGen allele CA10603576.